The following is an entry in ClinVar:

NM_006208.3(ENPP1):c.1164+6T>C

Gene: ENPP1 (ectonucleotide pyrophosphatase/phosphodiesterase 1; plus strand). Cytogenetic location: 6q23.2.
Variant type: single nucleotide variant.
Coding change: c.1164+6T>C on transcript NM_006208.3 (MANE Select); 6 bases into the intron after coding-DNA position 1164, T replaced by C.
Molecular consequence: intron variant.
Genome position (GRCh38, 1-based): chr6:131,864,944, T>C. VCF-style: chr6-131864944-T-C. GRCh37 (hg19) VCF-style: chr6-132186084-T-C.
Identifiers: ClinVar variation 4763496 (VCV004763496.1).

ClinVar aggregate classification (germline): Uncertain significance (1 of 4 stars; one submission).

gnomAD v4.1: 2 of 1,550,212 alleles (0.00013%); highest among the groups gnomAD compares: Non-Finnish European, 0.00018%; no homozygotes.

Submission:

Labcorp Genetics (formerly Invitae), Labcorp
Classification: Uncertain significance. Last evaluated: 2025-11-17. Review status: criteria provided, single submitter. Criteria: Invitae Variant Classification Sherloc (09022015). Collection method: clinical testing. Allele origin: germline.
Comment: This sequence change falls in intron 11 of the ENPP1 gene. It does not directly change the encoded amino acid sequence of the ENPP1 protein. It affects a nucleotide within the consensus splice site. This variant is present in population databases (no rsID available, gnomAD 0.0009%). This variant has not been reported in the literature in individuals affected with ENPP1-related conditions. Variants that disrupt the consensus splice site are a relatively common cause of aberrant splicing (PMID: 17576681, 9536098). Algorithms developed to predict the effect of sequence changes on RNA splicing suggest that this variant may disrupt the consensus splice site. In summary, the available evidence is currently insufficient to determine the role of this variant in disease. Therefore, it has been classified as a Variant of Uncertain Significance.

Literature cited by the submitters: PubMed 17576681; PubMed 9536098.